The following is an entry in ClinVar:

ClinVar aggregate classification (germline): Pathogenic (1 of 4 stars; one submission).

Submission:

Labcorp Genetics (formerly Invitae), Labcorp
Classification: Pathogenic. Last evaluated: 2024-02-14. Review status: criteria provided, single submitter. Criteria: Invitae Variant Classification Sherloc (09022015). Collection method: clinical testing. Allele origin: germline.
Comment: This sequence change creates a premature translational stop signal (p.Glu699*) in the SCYL1 gene. It is expected to result in an absent or disrupted protein product. Loss-of-function variants in SCYL1 are known to be pathogenic (PMID: 23175812, 26581903). This variant is not present in population databases (gnomAD no frequency). This variant has not been reported in the literature in individuals affected with SCYL1-related conditions. For these reasons, this variant has been classified as Pathogenic.

Literature cited by the submitters: PubMed 23175812; PubMed 26581903.

NM_020680.4(SCYL1):c.2094dup (p.Glu699Ter)

Gene: SCYL1 (SCY1 like pseudokinase 1; plus strand). Cytogenetic location: 11q13.1.
Variant type: Duplication.
Coding change: c.2094dup on transcript NM_020680.4 (MANE Select); coding-DNA position 2094, one base duplicated (T; older notation c.2094dupT).
Protein change: p.Glu699Ter; replaces glutamic acid 699 with a stop codon.
Molecular consequence: nonsense. On other transcripts: frameshift variant (3), intron variant (2).
Genome position (GRCh38, 1-based): chr11:65,538,029, T duplicated. VCF-style (leftmost placement, unchanged base first): chr11-65538028-C-CT. GRCh37 (hg19) VCF-style: chr11-65305499-C-CT.
Other names: c.2043dup, p.Glu682Ter (NM_001048218.2, NM_001425194.1, NM_001425198.1); c.2091dup, p.Glu698Ter (NM_001411022.1, NM_001425179.1, NM_001425180.1 and 3 more transcripts); c.2088dup, p.Glu697Ter (NM_001425182.1); c.2040dup, p.Glu681Ter (NM_001425183.1, NM_001425184.1, NM_001425195.1); c.2057dup, p.Arg687fs (NM_001425185.1); c.2054dup, p.Arg686fs (NM_001425186.1); c.2016dup, p.Glu673Ter (NM_001425187.1); c.2094dup, p.Glu699Ter (NM_001425188.1, NM_001425196.1); and 15 more; short protein forms E478*, E556*, E671*, E673*, E699*, R686fs, E538*, E655*.
Identifiers: ClinVar variation 3640969 (VCV003640969.2).